The following is an entry in ClinVar:

ClinVar aggregate classification (germline): Likely pathogenic (1 of 4 stars; one submission).

Conditions:
Progressive familial intrahepatic cholestasis (PFIC). Also called: Progressive family intrahepatic cholestasis; Progressive intrahepatic cholestasis. Identifiers: Orphanet 172, MedGen C0268312, MONDO:0015762.

Submissions (2):

Women's Health and Genetics/Laboratory Corporation of America, LabCorp
Classification: Likely pathogenic for Progressive familial intrahepatic cholestasis. Last evaluated: 2021-07-26. Review status: criteria provided, single submitter. Criteria: LabCorp Variant Classification Summary - May 2015. Collection method: clinical testing. Allele origin: germline.
Comment: Variant summary: ATP8B1 c.3261+1G>C is located in a canonical splice-site and is predicted to affect mRNA splicing resulting in a significantly altered protein due to either exon skipping, shortening, or inclusion of intronic material. Several computational tools predict a significant impact on normal splicing: Four predict the variant abolishes a 5 splicing donor site. One predicts the variant abolishes a 3 acceptor site. However, these predictions have yet to be confirmed by functional studies. The variant was absent in 251464 control chromosomes (gnomAD). To our knowledge, no occurrence of c.3261+1G>C in individuals affected with Familial Intrahepatic Cholestasis and no experimental evidence demonstrating its impact on protein function have been reported. No clinical diagnostic laboratories have submitted clinical-significance assessments for this variant to ClinVar after 2014. Based on the evidence outlined above, the variant was classified as likely pathogenic.

Dr. Peter K. Rogan Lab, Western University
No classification provided (evidence only). Condition: Squamous cell lung carcinoma. Review status: no classification provided. Collection method: in vitro. Allele origin: not applicable. Functional consequence: skipped exon. Not counted in ClinVar's aggregate classification.

NM_001374385.1(ATP8B1):c.3261+1G>C

Genes: ATP8B1 (ATPase phospholipid transporting 8B1; minus strand), ATP8B1-AS1 (ATP8B1 antisense RNA 1; plus strand). Cytogenetic location: 18q21.31.
Variant type: single nucleotide variant.
Coding change: c.3261+1G>C on transcript NM_001374385.1 (MANE Select); the canonical splice donor site of the intron after coding-DNA position 3261, G replaced by C.
Molecular consequence: splice donor variant.
Genome position (GRCh38, 1-based): chr18:57,652,483, C>G on the plus strand (G>C on the coding strand, the complement: ATP8B1 is on the minus strand). VCF-style: chr18-57652483-C-G. GRCh37 (hg19) VCF-style: chr18-55319715-C-G.
Other names: NC_000018.9:g.55319715C>G; c.3261+1G>C (NM_005603.6); c.3111+1G>C (NM_001374386.1).
Identifiers: ClinVar variation 1192197 (VCV001192197.2), dbSNP rs1568178734, ClinGen allele CA402543417.